The following is an entry in ClinVar:

ClinVar aggregate classification (germline): Uncertain significance (1 of 4 stars; one submission).

Submission:

Labcorp Genetics (formerly Invitae), Labcorp
Classification: Uncertain significance. Last evaluated: 2022-07-11. Review status: criteria provided, single submitter. Criteria: Invitae Variant Classification Sherloc (09022015). Collection method: clinical testing. Allele origin: germline.
Comment: This sequence change falls in intron 17 of the TONSL gene. It does not directly change the encoded amino acid sequence of the TONSL protein. It affects a nucleotide within the consensus splice site. This variant is not present in population databases (gnomAD no frequency). This variant has not been reported in the literature in individuals affected with TONSL-related conditions. Variants that disrupt the consensus splice site are a relatively common cause of aberrant splicing (PMID: 17576681, 9536098). Algorithms developed to predict the effect of sequence changes on RNA splicing suggest that this variant may disrupt the consensus splice site. In summary, the available evidence is currently insufficient to determine the role of this variant in disease. Therefore, it has been classified as a Variant of Uncertain Significance.

Literature cited by the submitters: PubMed 17576681; PubMed 9536098.

NM_013432.5(TONSL):c.2776-3C>G

Genes: MIR6893 (microRNA 6893; minus strand), TONSL (tonsoku like, DNA repair protein; minus strand), TONSL-AS1 (TONSL antisense RNA 1; plus strand). Cytogenetic location: 8q24.3.
Variant type: single nucleotide variant.
Coding change: c.2776-3C>G on transcript NM_013432.5 (MANE Select); 3 bases into the intron before coding-DNA position 2776, C replaced by G.
Molecular consequence: intron variant. On other transcripts: non-coding transcript variant (1).
Genome position (GRCh38, 1-based): chr8:144,435,553, G>C on the plus strand (C>G on the coding strand, the complement: TONSL is on the minus strand). VCF-style: chr8-144435553-G-C. GRCh37 (hg19) VCF-style: chr8-145660936-G-C.
Identifiers: ClinVar variation 1998770 (VCV001998770.1), dbSNP rs1823410389, ClinGen allele CA2580078752.
Genomic context (GRCh38, chr8:144,435,553, plus strand): 5'-GGAAGAGATGATCCTGAACTTGAACTCGAACCCGGATGGGAGGGGGCGGGGCCGGACCCT[G>C]GCAGGTGAAGGCAGCAGGGCTGAGTCAGGAGCCACAGTGGGCTCCACCCTACACCTGCCT-3'